The following is an entry in ClinVar:

ClinVar aggregate classification (germline): Uncertain significance (1 of 4 stars; one submission).

Allele frequency attached by ClinVar (database versions not stated): gnomAD exomes 0.00001.
gnomAD v4.1: 5 of 1,614,062 alleles (0.00031%); highest among the groups gnomAD compares: South Asian, 0.0022%; no homozygotes.

Submission:

Labcorp Genetics (formerly Invitae), Labcorp
Classification: Uncertain significance. Last evaluated: 2023-10-19. Review status: criteria provided, single submitter. Criteria: Invitae Variant Classification Sherloc (09022015). Collection method: clinical testing. Allele origin: germline.
Comment: This sequence change replaces arginine, which is basic and polar, with tryptophan, which is neutral and slightly polar, at codon 162 of the MMP9 protein (p.Arg162Trp). This variant is not present in population databases (gnomAD no frequency). This variant has not been reported in the literature in individuals affected with MMP9-related conditions. Advanced modeling of protein sequence and biophysical properties (such as structural, functional, and spatial information, amino acid conservation, physicochemical variation, residue mobility, and thermodynamic stability) performed at Invitae indicates that this missense variant is not expected to disrupt MMP9 protein function. In summary, the available evidence is currently insufficient to determine the role of this variant in disease. Therefore, it has been classified as a Variant of Uncertain Significance.

NM_004994.3(MMP9):c.484C>T (p.Arg162Trp)

Gene: MMP9 (matrix metallopeptidase 9; plus strand). Cytogenetic location: 20q13.12.
Variant type: single nucleotide variant.
Coding change: c.484C>T on transcript NM_004994.3 (MANE Select); coding-DNA position 484, C replaced by T.
Protein change: p.Arg162Trp; replaces arginine 162 with tryptophan.
Molecular consequence: missense variant.
Genome position (GRCh38, 1-based): chr20:46,010,595, C>T. VCF-style: chr20-46010595-C-T. GRCh37 (hg19) VCF-style: chr20-44639234-C-T.
Other names: short protein forms R162W.
Identifiers: ClinVar variation 2973050 (VCV002973050.3), dbSNP rs2515611807, ClinGen allele CA409212742.